The following is an entry in ClinVar:

NM_015959.3(TMX2):c.[326A>G];[691C>T]

Variant type: CompoundHeterozygote.
Identifiers: ClinVar variation 424737 (VCV000424737.2).

ClinVar aggregate classification (germline): Uncertain significance (0 of 4 stars; one submission).

Conditions:
Abnormality of neuronal migration. Identifiers: MedGen C1837249, HP:0002269.

Submission:

Génétique et pathophysiologie de maladies neurodéveloppementales et épileptogènes, Institut de génétique et de biologie moléculaire et cellulaire
Classification: Uncertain significance for Malformation of Cortical Development. Last evaluated: 2014-10-31. Review status: no assertion criteria provided. Collection method: clinical testing. Allele origin: maternal. Affected: yes. Observed: 4 variant alleles, 2 heterozygotes, 2 compound heterozygotes.